The following is an entry in ClinVar:

NM_018896.5(CACNA1G):c.3460G>A (p.Ala1154Thr)

Gene: CACNA1G (calcium voltage-gated channel subunit alpha1 G; plus strand). Cytogenetic location: 17q21.33.
Variant type: single nucleotide variant.
Coding change: c.3460G>A on transcript NM_018896.5 (MANE Select); coding-DNA position 3460, G replaced by A.
Protein change: p.Ala1154Thr; replaces alanine 1154 with threonine.
Molecular consequence: missense variant. On other transcripts: non-coding transcript variant (5).
Genome position (GRCh38, 1-based): chr17:50,599,629, G>A. VCF-style: chr17-50599629-G-A. GRCh37 (hg19) VCF-style: chr17-48676990-G-A.
Other names: c.3460G>A, p.Ala1154Thr (NM_001256324.2, NM_001256325.2, NM_001256326.2 and 16 more transcripts); c.3391G>A, p.Ala1131Thr (NM_001256332.2, NM_198376.3, NM_198379.3 and 5 more transcripts); c.3460G>A (NM_018896.3); short protein forms A1131T, A1154T.
Identifiers: ClinVar variation 3385030 (VCV003385030.3).

ClinVar aggregate classification (germline): Conflicting classifications of pathogenicity. Review status: criteria provided, conflicting classifications (1 of 4 stars). 3 submissions from 3 submitters: Uncertain significance (2); Likely benign (1). Last evaluated 2025-10-29.

Conditions:
Inborn genetic diseases. Identifiers: MedGen C0950123, MeSH D030342.

gnomAD v4.1: 7 of 1,612,878 alleles (0.00043%); highest among the groups gnomAD compares: Admixed American, 0.005%; no homozygotes.

Submissions (3):

Ambry Genetics
Classification: Uncertain significance for Inborn genetic diseases. Last evaluated: 2025-10-29. Review status: criteria provided, single submitter. Criteria: Ambry Variant Classification Scheme 2023. Collection method: clinical testing. Allele origin: germline.

Labcorp Genetics (formerly Invitae), Labcorp
Classification: Likely benign. Last evaluated: 2025-07-17. Review status: criteria provided, single submitter. Criteria: Invitae Variant Classification Sherloc (09022015). Collection method: clinical testing. Allele origin: germline.

Women's Health and Genetics/Laboratory Corporation of America, LabCorp
Classification: Uncertain significance. Last evaluated: 2024-10-01. Review status: criteria provided, single submitter. Criteria: LabCorp Variant Classification Summary - May 2015. Collection method: clinical testing. Allele origin: germline.
Comment: Variant summary: CACNA1G c.3460G>A (p.Ala1154Thr) results in a non-conservative amino acid change in the encoded protein sequence. Three of five in-silico tools predict a benign effect of the variant on protein function. The variant allele was found at a frequency of 1.2e-05 in 244978 control chromosomes. The available data on variant occurrences in the general population are insufficient to allow any conclusion about variant significance. To our knowledge, no occurrence of c.3460G>A in individuals affected with Spinocerebellar Ataxia Type 42 and no experimental evidence demonstrating its impact on protein function have been reported. No submitters have cited clinical-significance assessments for this variant to ClinVar. Based on the evidence outlined above, the variant was classified as uncertain significance.